The following is an entry in ClinVar:

ClinVar aggregate classification (germline): Uncertain significance (1 of 4 stars; one submission).

gnomAD v4.1: 1 of 1,614,078 alleles (0.000062%); highest among the groups gnomAD compares: Non-Finnish European, 0.000085%; no homozygotes.

Submission:

Labcorp Genetics (formerly Invitae), Labcorp
Classification: Uncertain significance. Last evaluated: 2024-02-23. Review status: criteria provided, single submitter. Criteria: Invitae Variant Classification Sherloc (09022015). Collection method: clinical testing. Allele origin: germline.
Comment: This sequence change replaces serine, which is neutral and polar, with leucine, which is neutral and non-polar, at codon 1494 of the FLNB protein (p.Ser1494Leu). This variant is present in population databases (no rsID available, gnomAD 0.0009%). This variant has not been reported in the literature in individuals affected with FLNB-related conditions. Advanced modeling of protein sequence and biophysical properties (such as structural, functional, and spatial information, amino acid conservation, physicochemical variation, residue mobility, and thermodynamic stability) performed at Invitae indicates that this missense variant is not expected to disrupt FLNB protein function with a negative predictive value of 95%. In summary, the available evidence is currently insufficient to determine the role of this variant in disease. Therefore, it has been classified as a Variant of Uncertain Significance.

NM_001457.4(FLNB):c.4481C>T (p.Ser1494Leu)

Gene: FLNB (filamin B; plus strand). Cytogenetic location: 3p14.3.
Variant type: single nucleotide variant.
Coding change: c.4481C>T on transcript NM_001457.4 (MANE Select); coding-DNA position 4481, C replaced by T.
Protein change: p.Ser1494Leu; replaces serine 1494 with leucine.
Molecular consequence: missense variant.
Genome position (GRCh38, 1-based): chr3:58,132,898, C>T. VCF-style: chr3-58132898-C-T. GRCh37 (hg19) VCF-style: chr3-58118625-C-T.
Other names: c.4574C>T, p.Ser1525Leu (NM_001164317.2); c.4481C>T, p.Ser1494Leu (NM_001164318.2, NM_001164319.2); short protein forms S1494L, S1525L.
Identifiers: ClinVar variation 3635730 (VCV003635730.2).